The following is an entry in ClinVar:

ClinVar aggregate classification (germline): Benign/Likely benign. Review status: criteria provided, multiple submitters, no conflicts (2 of 4 stars). 6 submissions from 6 submitters: Benign (1); Likely benign (3). 2 of the submissions do not count toward it. Last evaluated 2026-01-28.

Conditions:
COL4A3-related disorder. Also called: COL4A3-related condition; COL4A3-Related Disorders.
Alport syndrome. Also called: Hemorrhagic familial nephritis; Hemorrhagic hereditary nephritis; Congenital hereditary hematuria. Identifiers: Orphanet 63, MedGen C1567741, MONDO:0018965.
Autosomal dominant Alport syndrome (ATS3A). Also called: ALPORT SYNDROME 3A, AUTOSOMAL DOMINANT; Alport syndrome dominant type; Renal failure and sensorineural hearing loss. Identifiers: Orphanet 63, Orphanet 88918, MedGen C5882663, MONDO:0007086, OMIM 104200.
Autosomal recessive Alport syndrome (ATS2). Also called: COL4A4 Alport Syndrome and Thin Basement Membrane Nephropathy; ALPORT SYNDROME 2, AUTOSOMAL RECESSIVE; COL4A3-Related Nephropathy; Alport syndrome type 2. Identifiers: Orphanet 63, Orphanet 88919, MedGen C4746745, MONDO:0008762, OMIM 203780.
Benign familial hematuria. Also called: thin basement membrane disease. Identifiers: MedGen C0241908, MONDO:0957317.

Allele frequency attached by ClinVar (database versions not stated): 1000 Genomes Project 30x 0.00094; ExAC 0.00306; gnomAD 0.00001 and 0.00013; TOPMed 0.00005; 1000 Genomes Project 0.00040.

Submissions (6):

Labcorp Genetics (formerly Invitae), Labcorp
Classification: Benign. Last evaluated: 2026-01-28. Review status: criteria provided, single submitter. Criteria: Invitae Variant Classification Sherloc (09022015). Collection method: clinical testing. Allele origin: germline.

Blueprint Genetics
Classification: Likely benign. Last evaluated: 2024-10-28. Review status: criteria provided, single submitter. Criteria: ACMG Guidelines, 2015. Collection method: clinical testing. Allele origin: germline.

Fulgent Genetics
Classification: Likely benign for Autosomal dominant Alport syndrome; Hematuria, benign familial, 1; Autosomal recessive Alport syndrome. Last evaluated: 2021-12-15. Review status: criteria provided, single submitter. Criteria: ACMG Guidelines, 2015. Collection method: clinical testing. Allele origin: unknown.

GeneDx
Classification: Likely benign. Last evaluated: 2020-09-22. Review status: criteria provided, single submitter. Criteria: GeneDx Variant Classification Process June 2021. Collection method: clinical testing. Allele origin: germline. Affected: yes.

PreventionGenetics, part of Exact Sciences
Classification: Likely benign for COL4A3-related condition. Last evaluated: 2024-07-24. Review status: no assertion criteria provided. Collection method: clinical testing. Allele origin: germline. Not counted in ClinVar's aggregate classification.
Comment: This variant is classified as likely benign based on ACMG/AMP sequence variant interpretation guidelines (Richards et al. 2015 PMID: 25741868, with internal and published modifications).

Natera, Inc.
Classification: Likely benign for Alport syndrome. Last evaluated: 2020-06-18. Review status: no assertion criteria provided. Collection method: clinical testing. Allele origin: germline. Not counted in ClinVar's aggregate classification.

NM_000091.5(COL4A3):c.45G>A (p.Pro15=)

Genes: COL4A3 (collagen type IV alpha 3 chain; plus strand), LOC129935730 (ATAC-STARR-seq lymphoblastoid silent region 12397; plus strand). Cytogenetic location: 2q36.3.
Variant type: single nucleotide variant.
Coding change: c.45G>A on transcript NM_000091.5 (MANE Select); coding-DNA position 45, G replaced by A.
Protein change: p.Pro15=; no amino-acid change (proline 15 retained).
Molecular consequence: synonymous variant.
Genome position (GRCh38, 1-based): chr2:227,164,771, G>A. VCF-style: chr2-227164771-G-A. GRCh37 (hg19) VCF-style: chr2-228029487-G-A.
Identifiers: ClinVar variation 753430 (VCV000753430.18), dbSNP rs542100614, ClinGen allele CA2145891.